The following is an entry in ClinVar:

NM_001184.4(ATR):c.3143A>T (p.Glu1048Val)

Gene: ATR (ATR checkpoint kinase; minus strand). Cytogenetic location: 3q23.
Variant type: single nucleotide variant.
Coding change: c.3143A>T on transcript NM_001184.4 (MANE Select); coding-DNA position 3143, A replaced by T.
Protein change: p.Glu1048Val; replaces glutamic acid 1048 with valine.
Molecular consequence: missense variant.
Genome position (GRCh38, 1-based): chr3:142,549,507, T>A on the plus strand (A>T on the coding strand, the complement: ATR is on the minus strand). VCF-style: chr3-142549507-T-A. GRCh37 (hg19) VCF-style: chr3-142268349-T-A.
Other names: c.2951A>T, p.Glu984Val (NM_001354579.2); short protein forms E984V, E1048V.
Identifiers: ClinVar variation 1728112 (VCV001728112.5), dbSNP rs901999537, ClinGen allele CA84743109.

ClinVar aggregate classification (germline): Uncertain significance. Review status: criteria provided, multiple submitters, no conflicts (2 of 4 stars). 3 submissions from 3 submitters: Uncertain significance (3). Last evaluated 2023-11-17.

Conditions:
Inborn genetic diseases. Identifiers: MedGen C0950123, MeSH D030342.

Allele frequency attached by ClinVar (database versions not stated): gnomAD exomes below 0.00001; gnomAD 0.00003; TOPMed 0.00004.
gnomAD v4.1: 7 of 1,604,152 alleles (0.00044%); highest among the groups gnomAD compares: Admixed American, 0.012%; no homozygotes.

Submissions (3):

Ambry Genetics
Classification: Uncertain significance for Inborn genetic diseases. Last evaluated: 2023-11-17. Review status: criteria provided, single submitter. Criteria: Ambry Variant Classification Scheme 2023. Collection method: clinical testing. Allele origin: germline.

GeneDx
Classification: Uncertain significance. Last evaluated: 2023-07-20. Review status: criteria provided, single submitter. Criteria: GeneDx Variant Classification Process June 2021. Collection method: clinical testing. Allele origin: germline. Affected: yes.
Comment: Not observed at significant frequency in large population cohorts (gnomAD); In silico analysis supports that this missense variant does not alter protein structure/function; Has not been previously published as pathogenic or benign to our knowledge

Revvity Omics, Revvity
Classification: Uncertain significance. Last evaluated: 2023-03-16. Review status: criteria provided, single submitter. Criteria: ACMG Guidelines, 2015. Collection method: clinical testing. Allele origin: germline.